The following is an entry in ClinVar:

NM_001376.5(DYNC1H1):c.1713G>T (p.Gln571His)

Gene: DYNC1H1 (dynein cytoplasmic 1 heavy chain 1; plus strand). Cytogenetic location: 14q32.31.
Variant type: single nucleotide variant.
Coding change: c.1713G>T on transcript NM_001376.5 (MANE Select); coding-DNA position 1713, G replaced by T.
Protein change: p.Gln571His; replaces glutamine 571 with histidine.
Molecular consequence: missense variant.
Genome position (GRCh38, 1-based): chr14:101,985,938, G>T. VCF-style: chr14-101985938-G-T. GRCh37 (hg19) VCF-style: chr14-102452275-G-T.
Other names: short protein forms Q571H.
Identifiers: ClinVar variation 1307695 (VCV001307695.7), dbSNP rs746635345, ClinGen allele CA7351729.

ClinVar aggregate classification (germline): Uncertain significance. Review status: criteria provided, multiple submitters, no conflicts (2 of 4 stars). 3 submissions from 3 submitters: Uncertain significance (3). Last evaluated 2025-05-13.

Conditions:
Inborn genetic diseases. Identifiers: MedGen C0950123, MeSH D030342.
Charcot-Marie-Tooth disease axonal type 2O. Also called: CHARCOT-MARIE-TOOTH NEUROPATHY, AXONAL, TYPE 2O; CHARCOT-MARIE-TOOTH DISEASE, AXONAL, AUTOSOMAL DOMINANT, TYPE 2O; Charcot-Marie-Tooth Neuropathy Type 2O; Charcot-Marie-Tooth disease, axonal, type 20. Identifiers: Orphanet 284232, MedGen C3280220, MONDO:0013644, OMIM 614228.

Allele frequency attached by ClinVar (database versions not stated): gnomAD exomes below 0.00001; ExAC 0.00001; gnomAD 0.00001.
gnomAD v4.1: 3 of 1,614,118 alleles (0.00019%); highest among the groups gnomAD compares: Non-Finnish European, 0.00025%; no homozygotes.

Submissions (3):

Ambry Genetics
Classification: Uncertain significance for Inborn genetic diseases. Last evaluated: 2025-05-13. Review status: criteria provided, single submitter. Criteria: Ambry Variant Classification Scheme 2023. Collection method: clinical testing. Allele origin: germline.

Labcorp Genetics (formerly Invitae), Labcorp
Classification: Uncertain significance for Charcot-Marie-Tooth disease axonal type 2O. Last evaluated: 2022-06-27. Review status: criteria provided, single submitter. Criteria: Invitae Variant Classification Sherloc (09022015). Collection method: clinical testing. Allele origin: germline.
Comment: In summary, the available evidence is currently insufficient to determine the role of this variant in disease. Therefore, it has been classified as a Variant of Uncertain Significance. Algorithms developed to predict the effect of missense changes on protein structure and function are either unavailable or do not agree on the potential impact of this missense change (SIFT: "Deleterious"; PolyPhen-2: "Probably Damaging"; Align-GVGD: "Class C0"). ClinVar contains an entry for this variant (Variation ID: 1307695). This variant has not been reported in the literature in individuals affected with DYNC1H1-related conditions. This variant is not present in population databases (gnomAD no frequency). This sequence change replaces glutamine, which is neutral and polar, with histidine, which is basic and polar, at codon 571 of the DYNC1H1 protein (p.Gln571His).

GeneDx
Classification: Uncertain significance. Last evaluated: 2019-03-18. Review status: criteria provided, single submitter. Criteria: GeneDx Variant Classification Process June 2021. Collection method: clinical testing. Allele origin: germline. Affected: yes.
Comment: Not observed in large population cohorts (Lek et al., 2016; McVean et al., 2012; Exome Variant Server); In silico analysis, which includes protein predictors and evolutionary conservation, supports a deleterious effect; Has not been previously published as pathogenic or benign to our knowledge